The following is an entry in ClinVar:

ClinVar aggregate classification (germline): Uncertain significance. Review status: criteria provided, multiple submitters, no conflicts (2 of 4 stars). 2 submissions from 2 submitters: Uncertain significance (2). Last evaluated 2025-08-03.

Conditions:
Inborn genetic diseases. Identifiers: MedGen C0950123, MeSH D030342.

Allele frequency attached by ClinVar (database versions not stated): ExAC 0.00001; gnomAD 0.00001; TOPMed 0.00001.
gnomAD v4.1: 1 of 1,614,040 alleles (0.000062%); highest among the groups gnomAD compares: African/African-American, 0.0013%; no homozygotes.

Submissions (2):

Ambry Genetics
Classification: Uncertain significance for Inborn genetic diseases. Last evaluated: 2025-08-03. Review status: criteria provided, single submitter. Criteria: Ambry Variant Classification Scheme 2023. Collection method: clinical testing. Allele origin: germline.

GeneDx
Classification: Uncertain significance. Last evaluated: 2022-06-06. Review status: criteria provided, single submitter. Criteria: GeneDx Variant Classification Process June 2021. Collection method: clinical testing. Allele origin: germline. Affected: yes.
Comment: Not observed at significant frequency in large population cohorts (gnomAD); In silico analysis supports that this missense variant has a deleterious effect on protein structure/function; Has not been previously published as pathogenic or benign to our knowledge

NM_020320.5(RARS2):c.736G>T (p.Asp246Tyr)

Gene: RARS2 (arginyl-tRNA synthetase 2, mitochondrial; minus strand). Cytogenetic location: 6q15.
Variant type: single nucleotide variant.
Coding change: c.736G>T on transcript NM_020320.5 (MANE Select); coding-DNA position 736, G replaced by T.
Protein change: p.Asp246Tyr; replaces aspartic acid 246 with tyrosine.
Molecular consequence: missense variant. On other transcripts: non-coding transcript variant (23).
Genome position (GRCh38, 1-based): chr6:87,530,819, C>A on the plus strand (G>T on the coding strand, the complement: RARS2 is on the minus strand). VCF-style: chr6-87530819-C-A. GRCh37 (hg19) VCF-style: chr6-88240537-C-A.
Other names: c.211G>T, p.Asp71Tyr (NM_001318785.2, NM_001350506.2, NM_001350507.2 and 4 more transcripts); c.736G>T, p.Asp246Tyr (NM_001350505.2); short protein forms D246Y, D71Y.
Identifiers: ClinVar variation 1803563 (VCV001803563.2), dbSNP rs751977606, ClinGen allele CA3916540.
Genomic context (GRCh38, chr6:87,530,819, plus strand): 5'-AGCAGAAGGGAGGGTCAACCAATACCTTGTAAACCCGAATGTACTCTTCAATGCTCAAGT[C>A]CCGAAATTTTTGCCACAGTGAAAGTGCTTGCACATCGCCCAGTTCCAATCGTTGGAAGAA-3'
Protein context (NP_064716.2, residues 236-256): QALSLWQKFR[Asp246Tyr]LSIEEYIRVY